The following is an entry in ClinVar:

NM_000260.4(MYO7A):c.1844A>T (p.Lys615Met)

Gene: MYO7A (myosin VIIA; plus strand). Cytogenetic location: 11q13.5.
Variant type: single nucleotide variant.
Coding change: c.1844A>T on transcript NM_000260.4 (MANE Select); coding-DNA position 1844, A replaced by T.
Protein change: p.Lys615Met; replaces lysine 615 with methionine.
Molecular consequence: missense variant.
Genome position (GRCh38, 1-based): chr11:77,172,794, A>T. VCF-style: chr11-77172794-A-T. GRCh37 (hg19) VCF-style: chr11-76883840-A-T.
Other names: c.1844A>T, p.Lys615Met (NM_001127180.2); c.1811A>T, p.Lys604Met (NM_001369365.1); short protein forms K615M, K604M.
Identifiers: ClinVar variation 5008379 (VCV005008379.1).

ClinVar aggregate classification (germline): Uncertain significance (1 of 4 stars; one submission).

Submission:

GeneDx
Classification: Uncertain significance. Last evaluated: 2026-03-05. Review status: criteria provided, single submitter. Criteria: GeneDx Variant Classification Process June 2021. Collection method: clinical testing. Allele origin: germline.
Comment: Not observed at significant frequency in large population cohorts (gnomAD); In silico analysis supports that this missense variant has a deleterious effect on protein structure/function; Has not been previously published as pathogenic or benign to our knowledge